The following is an entry in ClinVar:

ClinVar aggregate classification (germline): Conflicting classifications of pathogenicity. Review status: criteria provided, conflicting classifications (1 of 4 stars). 7 submissions from 7 submitters: Uncertain significance (1); Benign (2); Likely benign (3). 1 of the submissions does not count toward it. Last evaluated 2026-06-01.

Conditions:
AP5Z1-related disorder. Also called: AP5Z1-related condition.
Hereditary spastic paraplegia. Also called: Familial spastic paraparesis. Identifiers: Orphanet 685, MedGen C0037773, MONDO:0019064. Disease mechanism: loss of function.
Hereditary spastic paraplegia 48. Also called: Spastic paraplegia 48; SPASTIC PARAPLEGIA 48, AUTOSOMAL RECESSIVE. Identifiers: Orphanet 306511, MedGen C3150901, MONDO:0013342, OMIM 613647.

Allele frequency attached by ClinVar (database versions not stated): 1000 Genomes Project 0.00020; ESP Exome Variant Server 0.00024; gnomAD 0.00030 and 0.00035; 1000 Genomes Project 30x 0.00031; TOPMed 0.00034; gnomAD exomes 0.00057 and 0.00066; ExAC 0.00087.
gnomAD v4.1: 895 of 1,608,042 alleles (0.056%); highest among the groups gnomAD compares: Middle Eastern, 0.54%; 6 homozygotes.

Submissions (7):

CeGaT Center for Human Genetics Tuebingen
Classification: Likely benign. Last evaluated: 2026-06-01. Review status: criteria provided, single submitter. Criteria: CeGaT Center For Human Genetics Tuebingen Variant Classification Criteria Version 2. Collection method: clinical testing. Allele origin: germline. Affected: yes. Observed: 6 variant alleles.
Comment: AP5Z1: BP4, BP7

Labcorp Genetics (formerly Invitae), Labcorp
Classification: Benign for Hereditary spastic paraplegia 48. Last evaluated: 2025-10-06. Review status: criteria provided, single submitter. Criteria: Invitae Variant Classification Sherloc (09022015). Collection method: clinical testing. Allele origin: germline.

Blueprint Genetics
Classification: Likely benign. Last evaluated: 2024-11-20. Review status: criteria provided, single submitter. Criteria: ACMG Guidelines, 2015. Collection method: clinical testing. Allele origin: germline.

Athena Diagnostics
Classification: Benign. Last evaluated: 2019-07-16. Review status: criteria provided, single submitter. Criteria: Athena Diagnostics Criteria. Collection method: clinical testing. Allele origin: germline.

Illumina Laboratory Services, Illumina
Classification: Uncertain significance for Hereditary spastic paraplegia 48. Last evaluated: 2018-01-13. Review status: criteria provided, single submitter. Criteria: ICSL Variant Classification Criteria 13 December 2019. Collection method: clinical testing. Allele origin: germline.

Genome Diagnostics Laboratory, The Hospital for Sick Children
Classification: Likely benign for Hereditary spastic paraplegia. Last evaluated: 2018-01-01. Review status: criteria provided, single submitter. Criteria: ACMG Guidelines, 2015. Collection method: clinical testing. Allele origin: germline. Affected: yes.

PreventionGenetics, part of Exact Sciences
Classification: Likely benign for AP5Z1-related condition. Last evaluated: 2019-02-22. Review status: no assertion criteria provided. Collection method: clinical testing. Allele origin: germline. Not counted in ClinVar's aggregate classification.
Comment: This variant is classified as likely benign based on ACMG/AMP sequence variant interpretation guidelines (Richards et al. 2015 PMID: 25741868, with internal and published modifications).

NM_014855.3(AP5Z1):c.2400G>A (p.Arg800=)

Gene: AP5Z1 (adaptor related protein complex 5 subunit zeta 1; plus strand). Cytogenetic location: 7p22.1.
Variant type: single nucleotide variant.
Coding change: c.2400G>A on transcript NM_014855.3 (MANE Select); coding-DNA position 2400, G replaced by A.
Protein change: p.Arg800=; no amino-acid change (arginine 800 retained).
Molecular consequence: synonymous variant. On other transcripts: non-coding transcript variant (1).
Genome position (GRCh38, 1-based): chr7:4,791,361, G>A. VCF-style: chr7-4791361-G-A. GRCh37 (hg19) VCF-style: chr7-4830992-G-A.
Other names: c.2400G>A, p.Arg800= (LRG_1247t1); c.1932G>A, p.Arg644= (NM_001364858.1).
Identifiers: ClinVar variation 240941 (VCV000240941.45), dbSNP rs368571200, ClinGen allele CA4138468.